The following is an entry in ClinVar:

ClinVar aggregate classification (germline): Likely pathogenic (1 of 4 stars; one submission).

Submission:

Labcorp Genetics (formerly Invitae), Labcorp
Classification: Likely pathogenic. Last evaluated: 2025-05-19. Review status: criteria provided, single submitter. Criteria: Invitae Variant Classification Sherloc (09022015). Collection method: clinical testing. Allele origin: germline.
Comment: This sequence change replaces glycine, which is neutral and non-polar, with valine, which is neutral and non-polar, at codon 388 of the COL4A1 protein (p.Gly388Val). This variant is not present in population databases (gnomAD no frequency). This variant has not been reported in the literature in individuals affected with COL4A1-related conditions. Invitae Evidence Modeling of protein sequence and biophysical properties (such as structural, functional, and spatial information, amino acid conservation, physicochemical variation, residue mobility, and thermodynamic stability) indicates that this missense variant is expected to disrupt COL4A1 protein function with a positive predictive value of 95%. This variant disrupts the triple helix domain of COL4A1. Glycine residues within the Gly-Xaa-Yaa repeats of the triple helix domain are required for the structure and stability of fibrillar collagens (PMID: 7695699, 8218237, 19344236). In COL4A1 variants affecting these glycine residues are significantly enriched in individuals with disease (PMID: 9016532, 17078022) compared to the general population (ExAC). In summary, the currently available evidence indicates that the variant is pathogenic, but additional data are needed to prove that conclusively. Therefore, this variant has been classified as Likely Pathogenic.

Literature cited by the submitters: PubMed 7695699; PubMed 8218237; PubMed 19344236; PubMed 9016532; PubMed 17078022.

NM_001845.6(COL4A1):c.1163G>T (p.Gly388Val)

Gene: COL4A1 (collagen type IV alpha 1 chain; minus strand). Cytogenetic location: 13q34.
Variant type: single nucleotide variant.
Coding change: c.1163G>T on transcript NM_001845.6 (MANE Select); coding-DNA position 1163, G replaced by T.
Protein change: p.Gly388Val; replaces glycine 388 with valine.
Molecular consequence: missense variant.
Genome position (GRCh38, 1-based): chr13:110,198,589, C>A on the plus strand (G>T on the coding strand, the complement: COL4A1 is on the minus strand). VCF-style: chr13-110198589-C-A. GRCh37 (hg19) VCF-style: chr13-110850936-C-A.
Other names: c.1163G>T, p.Gly388Val (NM_001303110.2); short protein forms G388V.
Identifiers: ClinVar variation 4746055 (VCV004746055.1).